The following is an entry in ClinVar:

NM_002087.4(GRN):c.1555G>A (p.Val519Met)

Gene: GRN (granulin precursor; plus strand). Cytogenetic location: 17q21.31.
Variant type: single nucleotide variant.
Coding change: c.1555G>A on transcript NM_002087.4 (MANE Select); coding-DNA position 1555, G replaced by A.
Protein change: p.Val519Met; replaces valine 519 with methionine.
Molecular consequence: missense variant.
Genome position (GRCh38, 1-based): chr17:44,352,482, G>A. VCF-style: chr17-44352482-G-A. GRCh37 (hg19) VCF-style: chr17-42429850-G-A.
Other names: short protein forms V519M.
Identifiers: ClinVar variation 588635 (VCV000588635.14), dbSNP rs141111290, ClinGen allele CA8602235.

ClinVar aggregate classification (germline): Uncertain significance. Review status: criteria provided, multiple submitters, no conflicts (2 of 4 stars). 4 submissions from 4 submitters: Uncertain significance (4). Last evaluated 2025-11-27.

Conditions:
Inborn genetic diseases. Identifiers: MedGen C0950123, MeSH D030342.
Neuronal ceroid lipofuscinosis 11. Also called: GRN-Related Neuronal Ceroid-Lipofuscinosis. Identifiers: Orphanet 314629, Orphanet 79262, MedGen C3539123, MONDO:0013866, OMIM 614706.
GRN-related frontotemporal lobar degeneration with Tdp43 inclusions (FTD2). Also called: GRN Frontotemporal Dementia; FRONTOTEMPORAL DEMENTIA WITH TDP43 INCLUSIONS, GRN-RELATED; DEMENTIA, HEREDITARY DYSPHASIC DISINHIBITION; FRONTOTEMPORAL LOBAR DEGENERATION WITH UBIQUITIN-POSITIVE INCLUSIONS; FTLD-TDP, GRN-RELATED. Identifiers: Orphanet 100070, Orphanet 282, MedGen C1843792, MONDO:0011842, OMIM 607485. Disease mechanism: loss of function.

Allele frequency attached by ClinVar (database versions not stated): ESP Exome Variant Server 0.00008; ExAC 0.00009; gnomAD exomes 0.00010; TOPMed 0.00017; 1000 Genomes Project 0.00020; 1000 Genomes Project 30x 0.00031.
gnomAD v4.1: 146 of 1,614,020 alleles (0.009%); highest among the groups gnomAD compares: Admixed American, 0.14%; no homozygotes.

Submissions (4):

Labcorp Genetics (formerly Invitae), Labcorp
Classification: Uncertain significance for Neuronal ceroid lipofuscinosis 11; GRN-related frontotemporal lobar degeneration with Tdp43 inclusions. Last evaluated: 2025-11-27. Review status: criteria provided, single submitter. Criteria: Invitae Variant Classification Sherloc (09022015). Collection method: clinical testing. Allele origin: germline.
Comment: This sequence change replaces valine, which is neutral and non-polar, with methionine, which is neutral and non-polar, at codon 519 of the GRN protein (p.Val519Met). This variant is present in population databases (rs141111290, gnomAD 0.04%), including at least one homozygous and/or hemizygous individual. This missense change has been observed in individual(s) with blindness or dementia (PMID: 22312439, 25333068, 29486463, 32483926). ClinVar contains an entry for this variant (Variation ID: 588635). Invitae Evidence Modeling of protein sequence and biophysical properties (such as structural, functional, and spatial information, amino acid conservation, physicochemical variation, residue mobility, and thermodynamic stability) indicates that this missense variant is expected to disrupt GRN protein function with a positive predictive value of 80%. In summary, the available evidence is currently insufficient to determine the role of this variant in disease. Therefore, it has been classified as a Variant of Uncertain Significance.

Ambry Genetics
Classification: Uncertain significance for Inborn genetic diseases. Last evaluated: 2023-11-22. Review status: criteria provided, single submitter. Criteria: Ambry Variant Classification Scheme 2023. Collection method: clinical testing. Allele origin: germline.
Comment: The c.1555G>A (p.V519M) alteration is located in exon 12 (coding exon 11) of the GRN gene. This alteration results from a G to A substitution at nucleotide position 1555, causing the valine (V) at amino acid position 519 to be replaced by a methionine (M). Based on data from gnomAD, the A allele has an overall frequency of 0.01% (26/251372) total alleles studied. The highest observed frequency was 0.046% (16/34582) of Latino alleles. This variant has been detected in cohorts of individuals with Alzheimer's disease and frontotemporal lobar degeneration; however, specific clinical information was not provided for the affected individuals (Cruchaga, 2012; Lee, 2014). This amino acid position is well conserved in available vertebrate species. The in silico prediction for this alteration is inconclusive. Based on insufficient or conflicting evidence, the clinical significance of this alteration remains unclear.

GeneDx
Classification: Uncertain significance. Last evaluated: 2023-05-22. Review status: criteria provided, single submitter. Criteria: GeneDx Variant Classification Process June 2021. Collection method: clinical testing. Allele origin: germline. Affected: yes.
Comment: Has been observed in individuals with dementia and reported as possibly related; however, this variant was also observed in unaffected control samples (Cruchaga et al., 2012; Blue et al., 2018); In silico analysis supports that this missense variant does not alter protein structure/function; This variant is associated with the following publications: (PMID: 25333068, 28527211, 29486463, 22312439, 32483926)

Fulgent Genetics
Classification: Uncertain significance for GRN-related frontotemporal lobar degeneration with Tdp43 inclusions; Neuronal ceroid lipofuscinosis 11. Last evaluated: 2021-11-07. Review status: criteria provided, single submitter. Criteria: ACMG Guidelines, 2015. Collection method: clinical testing. Allele origin: unknown.

Literature cited by the submitters: PubMed 22312439 (cited by Labcorp Genetics (formerly Invitae), Labcorp and Ambry Genetics); PubMed 25333068 (cited by Labcorp Genetics (formerly Invitae), Labcorp and Ambry Genetics); PubMed 29486463 (cited by Labcorp Genetics (formerly Invitae), Labcorp); PubMed 32483926 (cited by Labcorp Genetics (formerly Invitae), Labcorp).